The following is an entry in ClinVar:

NM_015271.5(TRIM2):c.512G>C (p.Gly171Ala)

Gene: TRIM2 (tripartite motif containing 2; plus strand). Cytogenetic location: 4q31.3.
Variant type: single nucleotide variant.
Coding change: c.512G>C on transcript NM_015271.5 (MANE Select); coding-DNA position 512, G replaced by C.
Protein change: p.Gly171Ala; replaces glycine 171 with alanine.
Molecular consequence: missense variant.
Genome position (GRCh38, 1-based): chr4:153,293,040, G>C. VCF-style: chr4-153293040-G-C. GRCh37 (hg19) VCF-style: chr4-154214192-G-C.
Other names: c.431G>C, p.Gly144Ala (NM_001130067.2, NM_001351056.2); c.485G>C, p.Gly162Ala (NM_001351054.2); c.482G>C, p.Gly161Ala (NM_001351055.2); c.56G>C, p.Gly19Ala (NM_001351057.2); c.512G>C (NM_015271.3); short protein forms G144A, G161A, G171A, G162A, G19A.
Identifiers: ClinVar variation 474611 (VCV000474611.9), dbSNP rs1553992552, ClinGen allele CA358471282.

ClinVar aggregate classification (germline): Uncertain significance. Review status: criteria provided, multiple submitters, no conflicts (2 of 4 stars). 2 submissions from 2 submitters: Uncertain significance (2). Last evaluated 2025-05-13.

Conditions:
Charcot-Marie-Tooth disease type 2R. Also called: CHARCOT-MARIE-TOOTH DISEASE, AXONAL, AUTOSOMAL RECESSIVE, TYPE 2R; Charcot-Marie-Tooth disease, axonal, type 2R; CHARCOT-MARIE-TOOTH NEUROPATHY, TYPE 2R. Identifiers: Orphanet 397968, MedGen C3809655, MONDO:0014208, OMIM 615490.

Submissions (2):

Ambry Genetics
Classification: Uncertain significance. Last evaluated: 2025-05-13. Review status: criteria provided, single submitter. Criteria: Ambry Variant Classification Scheme 2023. Collection method: clinical testing. Allele origin: germline.

Labcorp Genetics (formerly Invitae), Labcorp
Classification: Uncertain significance for Charcot-Marie-Tooth disease type 2R. Last evaluated: 2022-05-19. Review status: criteria provided, single submitter. Criteria: Invitae Variant Classification Sherloc (09022015). Collection method: clinical testing. Allele origin: germline.
Comment: In summary, the available evidence is currently insufficient to determine the role of this variant in disease. Therefore, it has been classified as a Variant of Uncertain Significance. Algorithms developed to predict the effect of missense changes on protein structure and function are either unavailable or do not agree on the potential impact of this missense change (SIFT: "Deleterious"; PolyPhen-2: "Benign"; Align-GVGD: "Class C55"). ClinVar contains an entry for this variant (Variation ID: 474611). This sequence change replaces glycine, which is neutral and non-polar, with alanine, which is neutral and non-polar, at codon 144 of the TRIM2 protein (p.Gly144Ala). This variant has not been reported in the literature in individuals affected with TRIM2-related conditions. This variant is not present in population databases (gnomAD no frequency).